The following is an entry in ClinVar:

NM_015450.3(POT1):c.1007-205A>G

Gene: POT1 (protection of telomeres 1; minus strand). Cytogenetic location: 7q31.33.
Variant type: single nucleotide variant.
Coding change: c.1007-205A>G on transcript NM_015450.3 (MANE Select); 205 bases into the intron before coding-DNA position 1007, A replaced by G.
Molecular consequence: intron variant.
Genome position (GRCh38, 1-based): chr7:124,843,168, T>C on the plus strand (A>G on the coding strand, the complement: POT1 is on the minus strand). VCF-style: chr7-124843168-T-C. GRCh37 (hg19) VCF-style: chr7-124483222-T-C.
Other names: c.614-205A>G (NM_001042594.2).
Identifiers: ClinVar variation 677024 (VCV000677024.2), dbSNP rs7801661, ClinGen allele CA12571960.

ClinVar aggregate classification (germline): Benign. Review status: criteria provided, multiple submitters, no conflicts (2 of 4 stars). 2 submissions from 2 submitters: Benign (2). Last evaluated 2018-06-15.

Allele frequency attached by ClinVar (database versions not stated): 1000 Genomes Project 30x 0.19176; 1000 Genomes Project 0.19669; TOPMed 0.21502; gnomAD 0.21660 and 0.21776; gnomAD exomes 0.27039.
gnomAD v4.1: 89,714 of 362,668 alleles (25%); highest among the groups gnomAD compares: East Asian, 32%; 11,939 homozygotes.

Submissions (2):

GeneDx
Classification: Benign. Last evaluated: 2018-06-15. Review status: criteria provided, single submitter. Criteria: GeneDx Variant Classification (06012015). Collection method: clinical testing. Allele origin: germline. Affected: yes.
Comment: This variant is considered likely benign or benign based on one or more of the following criteria: it is a conservative change, it occurs at a poorly conserved position in the protein, it is predicted to be benign by multiple in silico algorithms, and/or has population frequency not consistent with disease.

Breakthrough Genomics
Classification: Benign. Review status: criteria provided, single submitter. Criteria: ACMG Guidelines, 2015. Collection method: not provided. Allele origin: germline. Inheritance: Autosomal dominant inheritance. Affected: yes.